The following is an entry in ClinVar:

ClinVar aggregate classification (germline): Uncertain significance (1 of 4 stars; one submission).

Conditions:
Hypertrophic cardiomyopathy 2. Also called: TNNT2-Related Familial Hypertrophic Cardiomyopathy. Identifiers: MedGen C1861864, MONDO:0007266, OMIM 115195.
Dilated cardiomyopathy 1D. Identifiers: Orphanet 154, Orphanet 54260, MedGen C1832243, MONDO:0011095, OMIM 601494.
Cardiomyopathy, familial restrictive, 3. Identifiers: Orphanet 75249, MedGen C2676271, MONDO:0012900, OMIM 612422.

Allele frequency attached by ClinVar (database versions not stated): gnomAD exomes below 0.00001 and 0.00001; ExAC 0.00001.
gnomAD v4.1: 2 of 1,607,110 alleles (0.00012%); highest among the groups gnomAD compares: Admixed American, 0.0034%; no homozygotes.

Submission:

Labcorp Genetics (formerly Invitae), Labcorp
Classification: Uncertain significance for Cardiomyopathy, familial restrictive, 3; Hypertrophic cardiomyopathy 2; Dilated cardiomyopathy 1D. Last evaluated: 2026-01-08. Review status: criteria provided, single submitter. Criteria: Invitae Variant Classification Sherloc (09022015). Collection method: clinical testing. Allele origin: germline.
Comment: This sequence change replaces glutamic acid, which is acidic and polar, with lysine, which is basic and polar, at codon 23 of the TNNT2 protein (p.Glu23Lys). This variant also falls at the last nucleotide of exon 4, which is part of the consensus splice site for this exon. This variant is present in population databases (rs772966842, gnomAD no frequency). This variant has not been reported in the literature in individuals affected with TNNT2-related conditions. ClinVar contains an entry for this variant (Variation ID: 936389). Experimental studies and prediction algorithms are not available or were not evaluated, and the functional significance of this variant is currently unknown. Variants that disrupt the consensus splice site are a relatively common cause of aberrant splicing (PMID: 17576681, 9536098). Algorithms developed to predict the effect of sequence changes on RNA splicing suggest that this variant may disrupt the consensus splice site. In summary, the available evidence is currently insufficient to determine the role of this variant in disease. Therefore, it has been classified as a Variant of Uncertain Significance.

Literature cited by the submitters: PubMed 17576681; PubMed 9536098.

NM_001276345.2(TNNT2):c.67G>A (p.Glu23Lys)

Gene: TNNT2 (troponin T2, cardiac type; minus strand). Cytogenetic location: 1q32.1.
Variant type: single nucleotide variant.
Coding change: c.67G>A on transcript NM_001276345.2 (MANE Select); coding-DNA position 67, G replaced by A.
Protein change: p.Glu23Lys; replaces glutamic acid 23 with lysine.
Molecular consequence: missense variant. On other transcripts: intron variant (1).
Genome position (GRCh38, 1-based): chr1:201,372,027, C>T on the plus strand (G>A on the coding strand, the complement: TNNT2 is on the minus strand). VCF-style: chr1-201372027-C-T. GRCh37 (hg19) VCF-style: chr1-201341155-C-T.
Other names: c.67G>A, p.Glu23Lys (NM_000364.4, NM_001001430.3, NM_001001431.3 and 2 more transcripts); c.52+118G>A (NM_001001432.3); short protein forms E23K.
Identifiers: ClinVar variation 936389 (VCV000936389.9), dbSNP rs772966842, ClinGen allele CA077330.